The following is an entry in ClinVar:

NM_000535.7(PMS2):c.58C>G (p.Arg20Gly)

Gene: PMS2 (PMS1 homolog 2, mismatch repair system component; minus strand). Cytogenetic location: 7p22.1.
Variant type: single nucleotide variant.
Coding change: c.58C>G on transcript NM_000535.7 (MANE Select); coding-DNA position 58, C replaced by G.
Protein change: p.Arg20Gly; replaces arginine 20 with glycine.
Molecular consequence: missense variant. On other transcripts: 5 prime UTR variant (8), non-coding transcript variant (1), intron variant (3).
Genome position (GRCh38, 1-based): chr7:6,005,997, G>C on the plus strand (C>G on the coding strand, the complement: PMS2 is on the minus strand). VCF-style: chr7-6005997-G-C. GRCh37 (hg19) VCF-style: chr7-6045628-G-C.
Other names: c.-348C>G (NM_001322003.2, NM_001322005.2, NM_001322009.2 and 1 more transcripts); c.58C>G, p.Arg20Gly (NM_001322006.2, NM_001322014.2); c.-158C>G (NM_001322007.2); c.-827C>G (NM_001322011.2, NM_001322012.2); c.-427C>G (NM_001322015.2); c.-52-1939C>G (NM_001322008.2); c.-242-1939C>G (NM_001322010.2, NM_001322004.2); short protein forms R20G.
Identifiers: ClinVar variation 411083 (VCV000411083.23), dbSNP rs573374779, ClinGen allele CA050459.

ClinVar aggregate classification (germline): Conflicting classifications of pathogenicity. Review status: criteria provided, conflicting classifications (1 of 4 stars). 6 submissions from 6 submitters: Uncertain significance (5); Likely benign (1). Last evaluated 2026-01-24.

Conditions:
Hereditary cancer-predisposing syndrome. Also called: Tumor predisposition; Hereditary Cancer Syndrome; Hereditary neoplastic syndrome; Neoplastic Syndromes, Hereditary. Identifiers: Orphanet 140162, MedGen C0027672, MeSH D009386, MONDO:0015356.
Lynch syndrome. Identifiers: Orphanet 144, MedGen C4552100, MONDO:0005835. Disease mechanism: loss of function.
Hereditary nonpolyposis colorectal neoplasms. Identifiers: MedGen C0009405, MeSH D003123.

Submissions (6):

Labcorp Genetics (formerly Invitae), Labcorp
Classification: Likely benign for Hereditary nonpolyposis colorectal neoplasms. Last evaluated: 2026-01-24. Review status: criteria provided, single submitter. Criteria: Invitae Variant Classification Sherloc (09022015). Collection method: clinical testing. Allele origin: germline.

All of Us Research Program, National Institutes of Health
Classification: Uncertain significance for Lynch syndrome. Last evaluated: 2024-07-10. Review status: criteria provided, single submitter. Criteria: ACMG Guidelines, 2015. Collection method: clinical testing. Allele origin: germline. Inheritance: Autosomal dominant inheritance. Observed: 4 variant alleles, 4 heterozygotes.
Comment: This missense variant replaces arginine with glycine at codon 20 of the PMS2 protein. Computational prediction suggests that this variant may not impact protein structure and function (internally defined REVEL score threshold <= 0.5, PMID: 27666373). Splice site prediction tools suggest that this variant may not impact RNA splicing. To our knowledge, functional studies have not been reported for this variant. This variant has been reported in an individual affected with breast cancer (PMID: 26976419). This variant has been identified in 2/245594 chromosomes in the general population by the Genome Aggregation Database (gnomAD). The available evidence is insufficient to determine the role of this variant in disease conclusively. Therefore, this variant is classified as a Variant of Uncertain Significance.

This study involves interpretation of variants in research participants for the purpose of population health screening. Participant phenotype was not available at the time of variant classification. Additional details can be found in publication PMID: 35346344, PMCID: PMC8962531

Color Diagnostics, LLC DBA Color Health
Classification: Uncertain significance for Hereditary cancer-predisposing syndrome. Last evaluated: 2024-02-26. Review status: criteria provided, single submitter. Criteria: ACMG Guidelines, 2015. Collection method: clinical testing. Allele origin: germline.
Comment: This missense variant replaces arginine with glycine at codon 20 of the PMS2 protein. Computational prediction suggests that this variant may not impact protein structure and function (internally defined REVEL score threshold <= 0.5, PMID: 27666373). To our knowledge, functional studies have not been reported for this variant. This variant has been reported in an individual affected with breast cancer (PMID: 26976419). This variant has been identified in 2/245594 chromosomes in the general population by the Genome Aggregation Database (gnomAD). The available evidence is insufficient to determine the role of this variant in disease conclusively. Therefore, this variant is classified as a Variant of Uncertain Significance.

Ambry Genetics
Classification: Uncertain significance for Hereditary cancer-predisposing syndrome. Last evaluated: 2024-02-09. Review status: criteria provided, single submitter. Criteria: Ambry Variant Classification Scheme 2023. Collection method: clinical testing. Allele origin: germline.
Comment: The p.R20G variant (also known as c.58C>G), located in coding exon 2 of the PMS2 gene, results from a C to G substitution at nucleotide position 58. The arginine at codon 20 is replaced by glycine, an amino acid with dissimilar properties. This alteration has been reported in a cohort of 488 patients with stages I to III breast cancer diagnosed over age 50 who were tested with a 25-gene panel test (Tung N et al. J. Clin. Oncol., 2016 May;34:1460-8). This amino acid position is poorly conserved in available vertebrate species. In addition, this alteration is predicted to be tolerated by in silico analysis. Since supporting evidence is limited at this time, the clinical significance of this alteration remains unclear.

GeneDx
Classification: Uncertain significance. Last evaluated: 2022-11-30. Review status: criteria provided, single submitter. Criteria: GeneDx Variant Classification Process June 2021. Collection method: clinical testing. Allele origin: germline. Affected: yes.
Comment: Not observed at significant frequency in large population cohorts (gnomAD); In silico analysis supports that this missense variant has a deleterious effect on protein structure/function; This variant is associated with the following publications: (PMID: 11574484, 26976419)

Clinical Genetics Laboratory, Skane University Hospital Lund
Classification: Uncertain significance. Last evaluated: 2022-06-03. Review status: criteria provided, single submitter. Criteria: ACMG Guidelines, 2015. Collection method: clinical testing. Allele origin: germline. Affected: yes.

Literature cited by the submitters: PubMed 26976419 (cited by 3 submitters).